The following is an entry in ClinVar:

NM_001370259.2(MEN1):c.895C>T (p.Leu299Phe)

Gene: MEN1 (menin 1; minus strand). Cytogenetic location: 11q13.1.
Variant type: single nucleotide variant.
Coding change: c.895C>T on transcript NM_001370259.2 (MANE Select); coding-DNA position 895, C replaced by T.
Protein change: p.Leu299Phe; replaces leucine 299 with phenylalanine.
Molecular consequence: missense variant.
Genome position (GRCh38, 1-based): chr11:64,807,028, G>A on the plus strand (C>T on the coding strand, the complement: MEN1 is on the minus strand). VCF-style: chr11-64807028-G-A. GRCh37 (hg19) VCF-style: chr11-64574500-G-A.
Other names: c.910C>T, p.Leu304Phe (NM_000244.4, NM_001407145.1, NM_001407150.1 and 5 more transcripts); c.895C>T, p.Leu299Phe (NM_001370251.2, NM_001370260.2, NM_001370261.2 and 7 more transcripts); c.790C>T, p.Leu264Phe (NM_001370262.2, NM_001370263.2, NM_001407148.1 and 2 more transcripts); short protein forms L299F, L264F, L304F.
Identifiers: ClinVar variation 1765249 (VCV001765249.2), dbSNP rs1592646339, ClinGen allele CA381183513.

ClinVar aggregate classification (germline): Uncertain significance (1 of 4 stars; one submission).

Conditions:
Hereditary cancer-predisposing syndrome. Also called: Neoplastic Syndromes, Hereditary; Tumor predisposition; Hereditary Cancer Syndrome; Hereditary neoplastic syndrome. Identifiers: Orphanet 140162, MedGen C0027672, MeSH D009386, MONDO:0015356.

Submission:

Ambry Genetics
Classification: Uncertain significance for Hereditary cancer-predisposing syndrome. Last evaluated: 2022-04-24. Review status: criteria provided, single submitter. Criteria: Ambry Variant Classification Scheme 2023. Collection method: clinical testing. Allele origin: germline.
Comment: The p.L299F variant (also known as c.895C>T), located in coding exon 5 of the MEN1 gene, results from a C to T substitution at nucleotide position 895. The leucine at codon 299 is replaced by phenylalanine, an amino acid with highly similar properties. This amino acid position is conserved. In addition, the in silico prediction for this alteration is inconclusive. Since supporting evidence is limited at this time, the clinical significance of this alteration remains unclear.